The following is an entry in ClinVar:

ClinVar aggregate classification (germline): Pathogenic. Review status: criteria provided, multiple submitters, no conflicts (2 of 4 stars). 9 submissions from 9 submitters: Pathogenic (7). 2 of the submissions do not count toward it. Last evaluated 2026-01-26.

Conditions:
Hereditary cancer-predisposing syndrome. Also called: Neoplastic Syndromes, Hereditary; Tumor predisposition; Hereditary neoplastic syndrome; Hereditary Cancer Syndrome. Identifiers: Orphanet 140162, MedGen C0027672, MeSH D009386, MONDO:0015356.
Multiple endocrine neoplasia, type 2 (MEN2). Identifiers: Orphanet 653, MedGen C4048306, MONDO:0019003. Disease mechanism: gain of function.
Hepatocellular carcinoma (HCC). Also called: Primary carcinoma of liver; HEPATOMA; LIVER CELL CARCINOMA. Identifiers: Orphanet 88673, MedGen C2239176, MONDO:0007256, OMIM 114550, HP:0001402.
Familial medullary thyroid carcinoma (MTC). Also called: Thyroid cancer, familial medullary; MTC, familial; Familial Medullary Thyroid Carcinoma (FMTC). Identifiers: Orphanet 653, Orphanet 99361, MedGen C1833921, MONDO:0007958, OMIM 155240.

gnomAD v4.1: 1 of 1,614,122 alleles (0.000062%); highest among the groups gnomAD compares: Non-Finnish European, 0.000085%; no homozygotes.

Submissions (9):

Women's Health and Genetics/Laboratory Corporation of America, LabCorp
Classification: Pathogenic for Multiple endocrine neoplasia, type 2. Last evaluated: 2026-01-26. Review status: criteria provided, single submitter. Criteria: LabCorp Variant Classification Summary - May 2015. Collection method: clinical testing. Allele origin: germline.
Comment: Variant summary: RET c.2304G>C (p.Glu768Asp) results in a conservative amino acid change in the encoded protein sequence. Algorithms developed to predict the effect of missense changes on protein structure and function are either unavailable or do not agree on the potential impact of this missense change. The variant was absent in 251298 control chromosomes. c.2304G>C has been observed in multiple individuals affected with Multiple Endocrine Neoplasia Type 2/Familial Medullary Thyroid Carcinoma (e.g. Aiello_2005, Wiench_2001, Eng_1995, Bolino_1995). These data indicate that the variant is very likely to be associated with disease. A different variant resulting in the same amino acid consequence has been classified as pathogenic by our lab (c.2304G>T), supporting the pathogenicity of this variant. At least one publication reports experimental evidence evaluating an impact on protein function. The most pronounced variant effect results in moderate transforming capabilities when compared to wildtype (e.g. Pasini_1997). The following publications have been ascertained in the context of this evaluation (PMID: 7784092, 7845675, 15855933, 11230481, 14715928, 9242375). ClinVar contains an entry for this variant (Variation ID: 13931). Based on the evidence outlined above, the variant was classified as pathogenic.

Labcorp Genetics (formerly Invitae), Labcorp
Classification: Pathogenic for Multiple endocrine neoplasia, type 2. Last evaluated: 2025-12-23. Review status: criteria provided, single submitter. Criteria: Invitae Variant Classification Sherloc (09022015). Collection method: clinical testing. Allele origin: germline.
Comment: This sequence change replaces glutamic acid, which is acidic and polar, with aspartic acid, which is acidic and polar, at codon 768 of the RET protein (p.Glu768Asp). This variant is not present in population databases (gnomAD no frequency). This missense change has been observed in individuals with medullary thyroid carcinoma (PMID: 9263528, 11230481, 12116277, 15855933, 16736292, 17097365, 18062802; internal data). It has also been observed to segregate with disease in related individuals. ClinVar contains an entry for this variant (Variation ID: 13931). An algorithm developed to predict the effect of missense changes on protein structure and function (PolyPhen-2) suggests that this variant is likely to be tolerated. Experimental studies are conflicting or provide insufficient evidence to determine the effect of this variant on RET function (PMID: 14715928, 15184865, 17047083, 26046350). For these reasons, this variant has been classified as Pathogenic.

ARUP Laboratories, Molecular Genetics and Genomics, ARUP Laboratories
Classification: Pathogenic. Last evaluated: 2025-04-13. Review status: criteria provided, single submitter. Criteria: ARUP Molecular Germline Variant Investigation Process 2024. Collection method: clinical testing. Allele origin: germline.
Comment: The RET c.2304G>C; p.Glu768Asp variant (rs78014899) has been described in multiple individuals with medullary thyroid carcinoma (MTC; Aiello 2005, Eng 1995). This variant is reported in ClinVar (Variation ID: 13931) but is absent from general population databases (Exome Variant Server and Genome Aggregation Database), indicating it is not a common polymorphism. The glutamic acid at codon 768 is highly conserved, and computational algorithms (PolyPhen-2, SIFT) predict that this variant is deleterious. Additionally, another variant resulting in the same amino acid change at this codon (c.2304G>T; p.Glu768Asp) has been described in individuals with MTC (Antinolo 2002, Millar 2011, Wiench 2001). In vitro functional studies of this variant indicate higher transforming capabilities when compared to wildtype (Pasini 1997). Based on available information, the p.Glu768Asp variant is considered pathogenic. REFERENCES Aiello A et al. The familial medullary thyroid carcinoma-associated RET E768D mutation in a multiple endocrine neoplasia type 2A case. Surgery. 2005 May;137(5):574-6. Antinolo G et al. A novel germline point mutation, c.2304 G-->T, in codon 768 of the RET proto-oncogene in a patient with medullary thyroid carcinoma. Am J Med Genet. 2002 Jun 1;110(1):85-7. Eng C et al. A novel point mutation in the tyrosine kinase domain of the RET proto-oncogene in sporadic medullary thyroid carcinoma and in a family with FMTC. Oncogene. 1995 Feb 2;10(3):509-13. Millar S et al. Familial pediatric endocrine tumors. Oncologist. 2011;16(10):1388-96. Pasini A et al. Oncogenic activation of RET by two distinct FMTC mutations affecting the tyrosine kinase domain. Oncogene. 1997 Jul 24;15(4):393-402. Wiench M et al. Estimation of risk of inherited medullary thyroid carcinoma in apparent sporadic patients. J Clin Oncol. 2001 Mar 1;19(5):1374-80.

Molecular Pathology, Peter Maccallum Cancer Centre
Classification: Pathogenic for Multiple endocrine neoplasia, type 2. Last evaluated: 2025-03-07. Review status: criteria provided, single submitter. Criteria: ACMG Guidelines, 2015. Collection method: clinical testing. Allele origin: germline. Inheritance: Autosomal dominant inheritance.

CeGaT Center for Human Genetics Tuebingen
Classification: Pathogenic. Last evaluated: 2024-11-01. Review status: criteria provided, single submitter. Criteria: CeGaT Center For Human Genetics Tuebingen Variant Classification Criteria Version 2. Collection method: clinical testing. Allele origin: germline. Affected: yes. Observed: 1 variant allele.
Comment: RET: PS1, PM1, PM2, PS4:Moderate, PS3:Supporting

Quest Diagnostics Nichols Institute San Juan Capistrano
Classification: Pathogenic. Last evaluated: 2024-06-24. Review status: criteria provided, single submitter. Criteria: Quest Diagnostics criteria. Collection method: clinical testing. Allele origin: unknown.
Comment: The RET c.2304G>C (p.Glu768Asp) variant has been reported in the published literature in individuals with familial medullary thyroid cancer (FMTC) (PMIDs: 7784092 (1995), 7845675 (1995), 8918855 (1996), 9506724 (1998), 10445857 (1999), 16736292 (2006), 25810047 (2015), 29656518 (2018), 33340421 (2020)). Functional studies determined that this variant was damaging to protein function (PMIDs: 9242375 (1997) and 26046350 (2015)). This variant has not been reported in large, multi-ethnic general populations (Genome Aggregation Database). Analysis of this variant using bioinformatics tools for the prediction of the effect of amino acid changes on protein structure and function yielded predictions that this variant is damaging. Based on the available information, this variant is classified as pathogenic.

Ambry Genetics
Classification: Pathogenic for Hereditary cancer-predisposing syndrome. Last evaluated: 2023-11-03. Review status: criteria provided, single submitter. Criteria: Ambry Variant Classification Scheme 2023. Collection method: clinical testing. Allele origin: germline.
Comment: The p.E768D pathogenic mutation (also known as c.2304G>C), located in coding exon 13 of the RET gene, results from a G to C substitution at nucleotide position 2304. The glutamic acid at codon 768 is replaced by aspartic acid, an amino acid with highly similar properties. This alteration has been reported to segregate with disease in several patients and families with medullary thyroid cancer and has been observed in two patients with a clinical diagnosis of MEN2A (Boccia LM et al. Clin. Genet. 1997 Feb;51:81-5; Eng C et al. Oncogene. 1995 Feb;10:509-13; Aiello A et al. Surgery. 2005 May;137:574-6; Anti&ntilde;olo G et al. Am. J. Med. Genet. 2002 Jun;110:85-7; Bolino A et al. Oncogene. 1995 Jun;10:2415-9; Machens A et al. Hum. Mutat. 2018 06;39(6):860-869; Ambry internal data). In multiple assays testing RET function, this variant showed a modest level of RET activation and transforming capabilities when compared to wildtype (Pasini A et al. Oncogene, 1997 Jul;15:393-402; Arighi E et al. Mol Endocrinol. 2004 Apr;18:1004-17). The American Thyroid Association has designated alterations at this codon occurring without additional RET mutations as moderate risk mutations (Wells SA et al. Thyroid. 2015 Jun;25(6):567-610). This amino acid position is highly conserved in available vertebrate species. In addition, this alteration is predicted to be deleterious by in silico analysis. This variant is considered to be rare based on population cohorts in the Genome Aggregation Database (gnomAD). Based on the supporting evidence, this alteration is pathogenic for MEN2; however, the association of this alteration with Hirschsprung disease is unlikely.

CZECANCA consortium
Classification: Likely pathogenic for Hepatocellular carcinoma. Last evaluated: 2022-05-17. Review status: no assertion criteria provided. Collection method: case-control. Allele origin: germline. Affected: yes. Not counted in ClinVar's aggregate classification.

OMIM
Classification: Pathogenic for THYROID CARCINOMA, FAMILIAL MEDULLARY. Last evaluated: 2002-06-01. Review status: no assertion criteria provided. Collection method: literature only. Allele origin: germline. Not counted in ClinVar's aggregate classification.

Literature cited by the submitters: PubMed 7784092 (cited by 4 submitters); PubMed 7845675 (cited by 3 submitters); PubMed 11230481 (cited by Women's Health and Genetics/Laboratory Corporation of America, LabCorp and Labcorp Genetics (formerly Invitae), Labcorp); PubMed 15855933 (cited by 4 submitters); PubMed 14715928 (cited by 3 submitters); PubMed 9242375 (cited by 3 submitters); PubMed 9263528 (cited by Labcorp Genetics (formerly Invitae), Labcorp); PubMed 12116277 (cited by 3 submitters); PubMed 16736292 (cited by Labcorp Genetics (formerly Invitae), Labcorp and Quest Diagnostics Nichols Institute San Juan Capistrano); PubMed 17097365 (cited by Labcorp Genetics (formerly Invitae), Labcorp); PubMed 18062802 (cited by Labcorp Genetics (formerly Invitae), Labcorp); PubMed 15184865 (cited by Labcorp Genetics (formerly Invitae), Labcorp); PubMed 17047083 (cited by Labcorp Genetics (formerly Invitae), Labcorp); PubMed 26046350 (cited by Labcorp Genetics (formerly Invitae), Labcorp and Quest Diagnostics Nichols Institute San Juan Capistrano); PubMed 29656518 (cited by Quest Diagnostics Nichols Institute San Juan Capistrano and Ambry Genetics); PubMed 25810047 (cited by Quest Diagnostics Nichols Institute San Juan Capistrano and Ambry Genetics); PubMed 33340421 (cited by Quest Diagnostics Nichols Institute San Juan Capistrano); PubMed 10445857 (cited by Quest Diagnostics Nichols Institute San Juan Capistrano); PubMed 8807338 (cited by Quest Diagnostics Nichols Institute San Juan Capistrano); PubMed 8918855 (cited by Quest Diagnostics Nichols Institute San Juan Capistrano); PubMed 15271413 (cited by Quest Diagnostics Nichols Institute San Juan Capistrano); PubMed 9506724 (cited by Quest Diagnostics Nichols Institute San Juan Capistrano); PubMed 9111992 (cited by Ambry Genetics and OMIM); PubMed 7911697 (cited by OMIM).

NM_020975.6(RET):c.2304G>C (p.Glu768Asp)

Gene: RET (ret proto-oncogene; plus strand). Cytogenetic location: 10q11.21.
Variant type: single nucleotide variant.
Coding change: c.2304G>C on transcript NM_020975.6 (MANE Select); coding-DNA position 2304, G replaced by C.
Protein change: p.Glu768Asp; replaces glutamic acid 768 with aspartic acid.
Molecular consequence: missense variant.
Genome position (GRCh38, 1-based): chr10:43,118,392, G>C. VCF-style: chr10-43118392-G-C. GRCh37 (hg19) VCF-style: chr10-43613840-G-C.
Other names: c.1542G>C, p.Glu514Asp (NM_001355216.2); c.2304G>C, p.Glu768Asp (NM_001406743.1, NM_001406744.1, NM_001406759.1 and 4 more transcripts); c.2175G>C, p.Glu725Asp (NM_001406761.1, NM_001406762.1, NM_001406764.1); c.2169G>C, p.Glu723Asp (NM_001406763.1, NM_001406765.1); c.1779G>C, p.Glu593Asp (NM_001406774.1); c.1578G>C, p.Glu526Asp (NM_001406775.1, NM_001406776.1, NM_001406777.1 and 1 more transcripts); c.1407G>C, p.Glu469Asp (NM_001406779.1, NM_001406780.1, NM_001406781.1 and 1 more transcripts); c.1278G>C, p.Glu426Asp (NM_001406783.1, NM_001406786.1); and 10 more; short protein forms E768D, E514D, E636D, E333D, E424D, E526D, E593D, E723D.
Identifiers: ClinVar variation 13931 (VCV000013931.40), dbSNP rs78014899, ClinGen allele CA008641.